The following is an entry in ClinVar:

ClinVar aggregate classification (germline): Conflicting classifications of pathogenicity. Review status: criteria provided, conflicting classifications (1 of 4 stars). 4 submissions from 4 submitters: Uncertain significance (2); Likely benign (2). Last evaluated 2025-12-10.

Conditions:
Neurodevelopmental disorder with progressive spasticity and brain white matter abnormalities. Also called: CEREBRAL PALSY, SPASTIC QUADRIPLEGIC, 1. Identifiers: Orphanet 210141, Orphanet 641353, MedGen C5436628, MONDO:0033613, OMIM 619026.
Inborn genetic diseases. Identifiers: MedGen C0950123, MeSH D030342.

Allele frequency attached by ClinVar (database versions not stated): ESP Exome Variant Server 0.00015; gnomAD exomes 0.00036 and 0.00047; ExAC 0.00057; gnomAD 0.00070 and 0.00072; TOPMed 0.00105; 1000 Genomes Project 30x 0.00109; 1000 Genomes Project 0.00120.
gnomAD v4.1: 691 of 1,613,450 alleles (0.043%); highest among the groups gnomAD compares: Middle Eastern, 0.49%; 4 homozygotes.

Submissions (4):

Labcorp Genetics (formerly Invitae), Labcorp
Classification: Likely benign for Neurodevelopmental disorder with progressive spasticity and brain white matter abnormalities. Last evaluated: 2025-12-10. Review status: criteria provided, single submitter. Criteria: Invitae Variant Classification Sherloc (09022015). Collection method: clinical testing. Allele origin: germline.

CeGaT Center for Human Genetics Tuebingen
Classification: Likely benign. Last evaluated: 2025-08-01. Review status: criteria provided, single submitter. Criteria: CeGaT Center For Human Genetics Tuebingen Variant Classification Criteria Version 2. Collection method: clinical testing. Allele origin: germline. Affected: yes. Observed: 2 variant alleles.
Comment: GAD1: BP4, BS2

Ambry Genetics
Classification: Uncertain significance for Inborn genetic diseases. Last evaluated: 2024-02-07. Review status: criteria provided, single submitter. Criteria: Ambry Variant Classification Scheme 2023. Collection method: clinical testing. Allele origin: germline.
Comment: The c.1611+5G>A intronic alteration consists of a G to A substitution 5 nucleotides after exon 16 (coding exon 15) of the GAD1 gene. Based on insufficient or conflicting evidence, the clinical significance of this alteration remains unclear.

Illumina Laboratory Services, Illumina
Classification: Uncertain significance. Last evaluated: 2018-01-13. Review status: criteria provided, single submitter. Criteria: ICSL Variant Classification Criteria 13 December 2019. Collection method: clinical testing. Allele origin: germline.

NM_000817.3(GAD1):c.1611+5G>A

Gene: GAD1 (glutamate decarboxylase 1; plus strand). Cytogenetic location: 2q31.1.
Variant type: single nucleotide variant.
Coding change: c.1611+5G>A on transcript NM_000817.3 (MANE Select); 5 bases into the intron after coding-DNA position 1611, G replaced by A.
Molecular consequence: intron variant.
Genome position (GRCh38, 1-based): chr2:170,858,898, G>A. VCF-style: chr2-170858898-G-A. GRCh37 (hg19) VCF-style: chr2-171715408-G-A.
Identifiers: ClinVar variation 648176 (VCV000648176.40), dbSNP rs147201199, ClinGen allele CA1963001.